The following is an entry in ClinVar:

NM_006206.6(PDGFRA):c.3182A>G (p.Lys1061Arg)

Gene: PDGFRA (platelet derived growth factor receptor alpha; plus strand). Cytogenetic location: 4q12.
Variant type: single nucleotide variant.
Coding change: c.3182A>G on transcript NM_006206.6 (MANE Select); coding-DNA position 3182, A replaced by G.
Protein change: p.Lys1061Arg; replaces lysine 1061 with arginine.
Molecular consequence: missense variant.
Genome position (GRCh38, 1-based): chr4:54,295,184, A>G. VCF-style: chr4-54295184-A-G. GRCh37 (hg19) VCF-style: chr4-55161351-A-G.
Other names: c.3257A>G, p.Lys1086Arg (NM_001347828.2); c.3182A>G, p.Lys1061Arg (NM_001347829.2); c.3221A>G, p.Lys1074Arg (NM_001347830.2); short protein forms K1061R, K1074R, K1086R.
Identifiers: ClinVar variation 666059 (VCV000666059.10), dbSNP rs1577755645, ClinGen allele CA356896570.
Genomic context (GRCh38, chr4:54,295,184, plus strand): 5'-GCTCGCAGACCTCTGAAGAGAGTGCCATTGAGACGGGTTCCAGCAGTTCCACCTTCATCA[A>G]GAGAGAGGACGAGACCATTGAAGACATCGACATGATGGATGACATCGGCATAGACTCTTC-3'
Protein context (NP_006197.1, residues 1051-1071): ETGSSSSTFI[Lys1061Arg]REDETIEDID

ClinVar aggregate classification (germline): Uncertain significance. Review status: criteria provided, multiple submitters, no conflicts (2 of 4 stars). 2 submissions from 2 submitters: Uncertain significance (2). Last evaluated 2024-06-08.

Conditions:
Gastrointestinal stromal tumor. Also called: Gastrointestinal stromal tumor, somatic; Gastrointestinal stroma tumor. Identifiers: Orphanet 44890, MedGen C0238198, MeSH D046152, MONDO:0011719, OMIM 606764, HP:0100723.
Hereditary cancer-predisposing syndrome. Also called: Neoplastic Syndromes, Hereditary; Tumor predisposition; Hereditary Cancer Syndrome; Hereditary neoplastic syndrome. Identifiers: Orphanet 140162, MedGen C0027672, MeSH D009386, MONDO:0015356.

Submissions (2):

Ambry Genetics
Classification: Uncertain significance for Hereditary cancer-predisposing syndrome. Last evaluated: 2024-06-08. Review status: criteria provided, single submitter. Criteria: Ambry Variant Classification Scheme 2023. Collection method: clinical testing. Allele origin: germline.
Comment: The p.K1061R variant (also known as c.3182A>G), located in coding exon 22 of the PDGFRA gene, results from an A to G substitution at nucleotide position 3182. The lysine at codon 1061 is replaced by arginine, an amino acid with highly similar properties. This amino acid position is conserved. In addition, the in silico prediction for this alteration is inconclusive. Based on the available evidence, the clinical significance of this variant remains unclear.

Labcorp Genetics (formerly Invitae), Labcorp
Classification: Uncertain significance for Gastrointestinal stromal tumor. Last evaluated: 2023-11-03. Review status: criteria provided, single submitter. Criteria: Invitae Variant Classification Sherloc (09022015). Collection method: clinical testing. Allele origin: germline.
Comment: This sequence change replaces lysine, which is basic and polar, with arginine, which is basic and polar, at codon 1061 of the PDGFRA protein (p.Lys1061Arg). This variant is not present in population databases (gnomAD no frequency). This variant has not been reported in the literature in individuals affected with PDGFRA-related conditions. ClinVar contains an entry for this variant (Variation ID: 666059). Advanced modeling of protein sequence and biophysical properties (such as structural, functional, and spatial information, amino acid conservation, physicochemical variation, residue mobility, and thermodynamic stability) performed at Invitae indicates that this missense variant is not expected to disrupt PDGFRA protein function with a negative predictive value of 80%. In summary, the available evidence is currently insufficient to determine the role of this variant in disease. Therefore, it has been classified as a Variant of Uncertain Significance.